The following is an entry in ClinVar:

NM_004304.5(ALK):c.871C>A (p.Arg291Ser)

Gene: ALK (ALK receptor tyrosine kinase; minus strand). Cytogenetic location: 2p23.2.
Variant type: single nucleotide variant.
Coding change: c.871C>A on transcript NM_004304.5 (MANE Select); coding-DNA position 871, C replaced by A.
Protein change: p.Arg291Ser; replaces arginine 291 with serine.
Molecular consequence: missense variant.
Genome position (GRCh38, 1-based): chr2:29,694,931, G>T on the plus strand (C>A on the coding strand, the complement: ALK is on the minus strand). VCF-style: chr2-29694931-G-T. GRCh37 (hg19) VCF-style: chr2-29917797-G-T.
Other names: short protein forms R291S.
Identifiers: ClinVar variation 659947 (VCV000659947.8), dbSNP rs748854412, ClinGen allele CA346586963.

ClinVar aggregate classification (germline): Uncertain significance (1 of 4 stars; one submission).

Conditions:
Neuroblastoma, susceptibility to, 3. Also called: ALK-Related Neuroblastic Tumor Susceptibility. Identifiers: Orphanet 635, MedGen C2751681, MONDO:0013083, OMIM 613014.

gnomAD v4.1: 5 of 1,614,102 alleles (0.00031%); highest among the groups gnomAD compares: East Asian, 0.0022%; no homozygotes.

Submission:

Labcorp Genetics (formerly Invitae), Labcorp
Classification: Uncertain significance for Neuroblastoma, susceptibility to, 3. Last evaluated: 2018-10-13. Review status: criteria provided, single submitter. Criteria: Invitae Variant Classification Sherloc (09022015). Collection method: clinical testing. Allele origin: germline.
Comment: In summary, the available evidence is currently insufficient to determine the role of this variant in disease. Therefore, it has been classified as a Variant of Uncertain Significance. This sequence change replaces arginine with serine at codon 291 of the ALK protein (p.Arg291Ser). The arginine residue is moderately conserved and there is a moderate physicochemical difference between arginine and serine. This variant is not present in population databases (ExAC no frequency). This variant has not been reported in the literature in individuals with ALK-related disease. Algorithms developed to predict the effect of missense changes on protein structure and function are either unavailable or do not agree on the potential impact of this missense change (SIFT: "Deleterious"; PolyPhen-2: "Possibly Damaging"; Align-GVGD: "Class C0").